The following is an entry in ClinVar:

ClinVar aggregate classification (germline): Pathogenic (1 of 4 stars; one submission).

Conditions:
3-methylcrotonyl-CoA carboxylase 1 deficiency (MCC1D). Also called: MCCD TYPE 1; METHYLCROTONYLGLYCINURIA TYPE I; MCC 1 deficiency; 3 Alpha methylcrotonylglycinuria 1. Identifiers: Orphanet 6, MedGen CN028786, MONDO:0008861, OMIM 210200.

gnomAD v4.1: 1 of 1,613,810 alleles (0.000062%); highest among the groups gnomAD compares: Non-Finnish European, 0.000085%; no homozygotes.

Submission:

Institute of Human Genetics, Heidelberg University
Classification: Pathogenic for 3-methylcrotonyl-CoA carboxylase 1 deficiency. Last evaluated: 2026-07-31. Review status: criteria provided, single submitter. Criteria: ACMG Guidelines, 2015. Collection method: clinical testing. Allele origin: paternal. Affected: yes. Observed: 2 variant alleles.
Comment: PP3_STR, PP4_STR, PM3, PM2_SUP, PP1

NM_020166.5(MCCC1):c.400G>A (p.Glu134Lys)

Gene: MCCC1 (methylcrotonyl-CoA carboxylase subunit 1; minus strand). Cytogenetic location: 3q27.1.
Variant type: single nucleotide variant.
Coding change: c.400G>A on transcript NM_020166.5 (MANE Select); coding-DNA position 400, G replaced by A.
Protein change: p.Glu134Lys; replaces glutamic acid 134 with lysine.
Molecular consequence: missense variant. On other transcripts: non-coding transcript variant (2), intron variant (1).
Genome position (GRCh38, 1-based): chr3:183,072,457, C>T on the plus strand (G>A on the coding strand, the complement: MCCC1 is on the minus strand). VCF-style: chr3-183072457-C-T. GRCh37 (hg19) VCF-style: chr3-182790245-C-T.
Other names: c.73G>A, p.Glu25Lys (NM_001363880.1); c.141-1100G>A (NM_001293273.2); short protein forms E134K, E25K.
Identifiers: ClinVar variation 4974966 (VCV004974966.1).